The following is an entry in ClinVar:

ClinVar aggregate classification (germline): Pathogenic (1 of 4 stars; one submission).

Submission:

Labcorp Genetics (formerly Invitae), Labcorp
Classification: Pathogenic. Last evaluated: 2023-08-18. Review status: criteria provided, single submitter. Criteria: Invitae Variant Classification Sherloc (09022015). Collection method: clinical testing. Allele origin: unknown.
Comment: For these reasons, this variant has been classified as Pathogenic. This variant has not been reported in the literature in individuals affected with TG-related conditions. This variant is a gross deletion of the genomic region encompassing exon(s) 1-23 of the TG gene, which includes the initiator codon. This deletion extends beyond the assayed region for this gene and therefore may encompass additional genes. It is expected to result in an absent or disrupted protein product. Loss-of-function variants in TG are known to be pathogenic (PMID: 19837936, 23164529).

Literature cited by the submitters: PubMed 19837936; PubMed 23164529.

NC_000008.10:g.(?_133879246)_(133941457_?)del

Gene: TG (thyroglobulin; plus strand). Cytogenetic location: 8q24.22.
Variant type: Deletion.
Identifiers: ClinVar variation 3245565 (VCV003245565.1).